The following is an entry in ClinVar:

NM_001282531.3(ADNP):c.2929G>A (p.Gly977Arg)

Gene: ADNP (activity dependent neuroprotector homeobox; minus strand). Cytogenetic location: 20q13.13.
Variant type: single nucleotide variant.
Coding change: c.2929G>A on transcript NM_001282531.3 (MANE Select); coding-DNA position 2929, G replaced by A.
Protein change: p.Gly977Arg; replaces glycine 977 with arginine.
Molecular consequence: missense variant.
Genome position (GRCh38, 1-based): chr20:50,891,785, C>T on the plus strand (G>A on the coding strand, the complement: ADNP is on the minus strand). VCF-style: chr20-50891785-C-T. GRCh37 (hg19) VCF-style: chr20-49508322-C-T.
Other names: c.2929G>A, p.Gly977Arg (NM_001282532.2, NM_001347511.2, NM_015339.5 and 1 more transcripts); c.3145G>A, p.Gly1049Arg (NM_001439000.1); c.2245G>A, p.Gly749Arg (NM_001439001.1); short protein forms G1049R, G749R, G977R.
Identifiers: ClinVar variation 4760170 (VCV004760170.1).

ClinVar aggregate classification (germline): Uncertain significance (1 of 4 stars; one submission).

Submission:

Labcorp Genetics (formerly Invitae), Labcorp
Classification: Uncertain significance. Last evaluated: 2025-11-24. Review status: criteria provided, single submitter. Criteria: Invitae Variant Classification Sherloc (09022015). Collection method: clinical testing. Allele origin: germline.
Comment: This sequence change replaces glycine, which is neutral and non-polar, with arginine, which is basic and polar, at codon 977 of the ADNP protein (p.Gly977Arg). This variant is not present in population databases (gnomAD no frequency). This variant has not been reported in the literature in individuals affected with ADNP-related conditions. An algorithm developed to predict the effect of missense changes on protein structure and function (PolyPhen-2) suggests that this variant is likely to be disruptive. In summary, the available evidence is currently insufficient to determine the role of this variant in disease. Therefore, it has been classified as a Variant of Uncertain Significance.